The following is an entry in ClinVar:

NM_022089.4(ATP13A2):c.601C>T (p.Arg201Cys)

Gene: ATP13A2 (ATPase cation transporting 13A2; minus strand). Cytogenetic location: 1p36.13.
Variant type: single nucleotide variant.
Coding change: c.601C>T on transcript NM_022089.4 (MANE Select); coding-DNA position 601, C replaced by T.
Protein change: p.Arg201Cys; replaces arginine 201 with cysteine.
Molecular consequence: missense variant.
Genome position (GRCh38, 1-based): chr1:17,002,330, G>A on the plus strand (C>T on the coding strand, the complement: ATP13A2 is on the minus strand). VCF-style: chr1-17002330-G-A. GRCh37 (hg19) VCF-style: chr1-17328825-G-A.
Other names: c.586C>T, p.Arg196Cys (NM_001141973.3, NM_001141974.3); short protein forms R196C, R201C.
Identifiers: ClinVar variation 876419 (VCV000876419.8), dbSNP rs760715676, ClinGen allele CA637569.
Genomic context (GRCh38, chr1:17,002,330, plus strand): 5'-GCACCCCGGTCCAGGGCAGCACTGACCTCACCATTTGGTCCTGGAGGCTGAGGCCATGGC[G>A]GGAGCGGTGGACGTCGTCACAAGAGCGGCCATGGTCCAGGAGGCTGGGGGTGGGTGCGAG-3'
Protein context (NP_071372.1, residues 191-211): GRSCDDVHRS[Arg201Cys]HGLSLQDQMV

ClinVar aggregate classification (germline): Uncertain significance. Review status: criteria provided, multiple submitters, no conflicts (2 of 4 stars). 2 submissions from 2 submitters: Uncertain significance (2). Last evaluated 2022-04-23.

Conditions:
Kufor-Rakeb syndrome (KRS). Also called: PARKINSON DISEASE 9, AUTOSOMAL RECESSIVE, JUVENILE-ONSET. Identifiers: Orphanet 306674, Orphanet 314632, MedGen C1847640, MONDO:0011706, OMIM 606693.
Autosomal recessive spastic paraplegia type 78. Identifiers: Orphanet 513436, MedGen C5567893, MONDO:0014975, OMIM 617225.

Allele frequency attached by ClinVar (database versions not stated): TOPMed 0.00002; gnomAD 0.00005; ExAC 0.00006; gnomAD exomes 0.00008 and 0.00011.
gnomAD v4.1: 166 of 1,613,440 alleles (0.01%); highest among the groups gnomAD compares: Non-Finnish European, 0.013%; no homozygotes.

Submissions (2):

Labcorp Genetics (formerly Invitae), Labcorp
Classification: Uncertain significance for Kufor-Rakeb syndrome; Autosomal recessive spastic paraplegia type 78. Last evaluated: 2022-04-23. Review status: criteria provided, single submitter. Criteria: Invitae Variant Classification Sherloc (09022015). Collection method: clinical testing. Allele origin: germline.
Comment: This sequence change replaces arginine, which is basic and polar, with cysteine, which is neutral and slightly polar, at codon 201 of the ATP13A2 protein (p.Arg201Cys). This variant is present in population databases (rs760715676, gnomAD 0.01%). This variant has not been reported in the literature in individuals affected with ATP13A2-related conditions. ClinVar contains an entry for this variant (Variation ID: 876419). Advanced modeling of protein sequence and biophysical properties (such as structural, functional, and spatial information, amino acid conservation, physicochemical variation, residue mobility, and thermodynamic stability) performed at Invitae indicates that this missense variant is not expected to disrupt ATP13A2 protein function. In summary, the available evidence is currently insufficient to determine the role of this variant in disease. Therefore, it has been classified as a Variant of Uncertain Significance.

Illumina Laboratory Services, Illumina
Classification: Uncertain significance for Kufor-Rakeb syndrome. Last evaluated: 2018-01-13. Review status: criteria provided, single submitter. Criteria: ICSL Variant Classification Criteria 13 December 2019. Collection method: clinical testing. Allele origin: germline.